The following is an entry in ClinVar:

ClinVar aggregate classification (germline): Benign/Likely benign. Review status: criteria provided, multiple submitters, no conflicts (2 of 4 stars). 3 submissions from 3 submitters: Benign (1); Likely benign (2). Last evaluated 2025-07-08.

Conditions:
Hereditary cancer-predisposing syndrome. Also called: Tumor predisposition; Neoplastic Syndromes, Hereditary; Hereditary Cancer Syndrome; Hereditary neoplastic syndrome. Identifiers: Orphanet 140162, MedGen C0027672, MeSH D009386, MONDO:0015356.
Melanoma, cutaneous malignant, susceptibility to, 3. Also called: Cutaneous malignant melanoma 3. Identifiers: Orphanet 618, MedGen C1836892, MONDO:0012183, OMIM 609048.
Familial melanoma. Also called: Hereditary melanoma; Hereditary cutaneous melanoma. Identifiers: Orphanet 618, MedGen C1512419, MONDO:0018961.

Allele frequency attached by ClinVar (database versions not stated): gnomAD exomes below 0.00001.
gnomAD v4.1: 1 of 1,614,218 alleles (0.000062%); highest among the groups gnomAD compares: Admixed American, 0.0017%; no homozygotes.

Submissions (3):

Labcorp Genetics (formerly Invitae), Labcorp
Classification: Likely benign for Familial melanoma. Last evaluated: 2025-07-08. Review status: criteria provided, single submitter. Criteria: Invitae Variant Classification Sherloc (09022015). Collection method: clinical testing. Allele origin: germline.

Myriad Genetics, Inc.
Classification: Benign for Melanoma, cutaneous malignant, susceptibility to, 3. Last evaluated: 2024-09-24. Review status: criteria provided, single submitter. Criteria: Myriad Autosomal Dominant, Autosomal Recessive and X-Linked Classification Criteria (2023). Collection method: clinical testing. Allele origin: unknown.
Comment: This variant is considered benign. This variant is a silent/synonymous amino acid change and it is not expected to impact splicing.

Ambry Genetics
Classification: Likely benign for Hereditary cancer-predisposing syndrome. Last evaluated: 2022-04-19. Review status: criteria provided, single submitter. Criteria: Ambry Variant Classification Scheme 2023. Collection method: clinical testing. Allele origin: germline.

NM_000075.4(CDK4):c.111G>A (p.Val37=)

Gene: CDK4 (cyclin dependent kinase 4; minus strand). Cytogenetic location: 12q14.1.
Variant type: single nucleotide variant.
Coding change: c.111G>A on transcript NM_000075.4 (MANE Select); coding-DNA position 111, G replaced by A.
Protein change: p.Val37=; no amino-acid change (valine 37 retained).
Molecular consequence: synonymous variant.
Genome position (GRCh38, 1-based): chr12:57,751,607, C>T on the plus strand (G>A on the coding strand, the complement: CDK4 is on the minus strand). VCF-style: chr12-57751607-C-T. GRCh37 (hg19) VCF-style: chr12-58145390-C-T.
Identifiers: ClinVar variation 1101660 (VCV001101660.12), dbSNP rs1456215691, ClinGen allele CA480404891.